The following is an entry in ClinVar:

NM_018714.3(COG1):c.1456G>A (p.Asp486Asn)

Gene: COG1 (component of oligomeric golgi complex 1; plus strand). Cytogenetic location: 17q25.1.
Variant type: single nucleotide variant.
Coding change: c.1456G>A on transcript NM_018714.3 (MANE Select); coding-DNA position 1456, G replaced by A.
Protein change: p.Asp486Asn; replaces aspartic acid 486 with asparagine.
Molecular consequence: missense variant.
Genome position (GRCh38, 1-based): chr17:73,201,283, G>A. VCF-style: chr17-73201283-G-A. GRCh37 (hg19) VCF-style: chr17-71197422-G-A.
Other names: c.1456G>A (NM_018714.2); short protein forms D486N.
Identifiers: ClinVar variation 2156852 (VCV002156852.5), dbSNP rs150055852, ClinGen allele CA8740237.

ClinVar aggregate classification (germline): Uncertain significance. Review status: criteria provided, multiple submitters, no conflicts (2 of 4 stars). 2 submissions from 2 submitters: Uncertain significance (2). Last evaluated 2023-12-16.

Conditions:
Inborn genetic diseases. Identifiers: MedGen C0950123, MeSH D030342.
COG1 congenital disorder of glycosylation (CDG2G). Also called: CONGENITAL DISORDER OF GLYCOSYLATION, TYPE IIg; CDG IIg; CDGII/COG1 CEREBROCOSTOMANDIBULAR-LIKE SYNDROME. Identifiers: Orphanet 263508, MedGen C2931011, MONDO:0012637, OMIM 611209.

Allele frequency attached by ClinVar (database versions not stated): gnomAD 0.00001; TOPMed 0.00001; ExAC 0.00002; ESP Exome Variant Server 0.00008.
gnomAD v4.1: 10 of 1,614,068 alleles (0.00062%); highest among the groups gnomAD compares: Non-Finnish European, 0.00085%; no homozygotes.

Submissions (2):

Ambry Genetics
Classification: Uncertain significance for Inborn genetic diseases. Last evaluated: 2023-12-16. Review status: criteria provided, single submitter. Criteria: Ambry Variant Classification Scheme 2023. Collection method: clinical testing. Allele origin: germline.

Labcorp Genetics (formerly Invitae), Labcorp
Classification: Uncertain significance for COG1 congenital disorder of glycosylation. Last evaluated: 2021-12-24. Review status: criteria provided, single submitter. Criteria: Invitae Variant Classification Sherloc (09022015). Collection method: clinical testing. Allele origin: germline.
Comment: Algorithms developed to predict the effect of missense changes on protein structure and function (SIFT, PolyPhen-2, Align-GVGD) all suggest that this variant is likely to be tolerated. In summary, the available evidence is currently insufficient to determine the role of this variant in disease. Therefore, it has been classified as a Variant of Uncertain Significance. This variant has not been reported in the literature in individuals affected with COG1-related conditions. This variant is present in population databases (rs150055852, gnomAD 0.003%). This sequence change replaces aspartic acid, which is acidic and polar, with asparagine, which is neutral and polar, at codon 486 of the COG1 protein (p.Asp486Asn).